The following is an entry in ClinVar:

NM_020433.5(JPH2):c.1246C>T (p.Arg416Cys)

Gene: JPH2 (junctophilin 2; minus strand). Cytogenetic location: 20q13.12.
Variant type: single nucleotide variant.
Coding change: c.1246C>T on transcript NM_020433.5 (MANE Select); coding-DNA position 1246, C replaced by T.
Protein change: p.Arg416Cys; replaces arginine 416 with cysteine.
Molecular consequence: missense variant.
Genome position (GRCh38, 1-based): chr20:44,118,547, G>A on the plus strand (C>T on the coding strand, the complement: JPH2 is on the minus strand). VCF-style: chr20-44118547-G-A. GRCh37 (hg19) VCF-style: chr20-42747187-G-A.
Other names: p.R416C:CGC>TGC; short protein forms R416C.
Identifiers: ClinVar variation 201801 (VCV000201801.8), dbSNP rs794729025, ClinGen allele CA335235.

ClinVar aggregate classification (germline): Uncertain significance. Review status: criteria provided, multiple submitters, no conflicts (2 of 4 stars). 3 submissions from 3 submitters: Uncertain significance (3). Last evaluated 2025-05-05.

Conditions:
Cardiovascular phenotype. Identifiers: MedGen CN230736.
Hypertrophic cardiomyopathy. Also called: HYPERTROPHIC MYOCARDIOPATHY. Identifiers: Orphanet 217569, MedGen C0007194, MeSH D002312, MONDO:0005045, HP:0001639.

Allele frequency attached by ClinVar (database versions not stated): gnomAD 0.00004 and 0.00003; gnomAD exomes 0.00001 and below 0.00001; TOPMed 0.00001.
gnomAD v4.1: 12 of 1,613,188 alleles (0.00074%); highest among the groups gnomAD compares: Non-Finnish European, 0.00093%; no homozygotes.

Submissions (3):

Labcorp Genetics (formerly Invitae), Labcorp
Classification: Uncertain significance for Hypertrophic cardiomyopathy. Last evaluated: 2025-05-05. Review status: criteria provided, single submitter. Criteria: Invitae Variant Classification Sherloc (09022015). Collection method: clinical testing. Allele origin: germline.
Comment: This sequence change replaces arginine, which is basic and polar, with cysteine, which is neutral and slightly polar, at codon 416 of the JPH2 protein (p.Arg416Cys). This variant is present in population databases (rs794729025, gnomAD 0.006%). This variant has not been reported in the literature in individuals affected with JPH2-related conditions. ClinVar contains an entry for this variant (Variation ID: 201801). An algorithm developed to predict the effect of missense changes on protein structure and function (PolyPhen-2) suggests that this variant is likely to be disruptive. In summary, the available evidence is currently insufficient to determine the role of this variant in disease. Therefore, it has been classified as a Variant of Uncertain Significance.

Ambry Genetics
Classification: Uncertain significance for Cardiovascular phenotype. Last evaluated: 2025-04-17. Review status: criteria provided, single submitter. Criteria: Ambry Variant Classification Scheme 2023. Collection method: clinical testing. Allele origin: germline.
Comment: The p.R416C variant (also known as c.1246C>T), located in coding exon 3 of the JPH2 gene, results from a C to T substitution at nucleotide position 1246. The arginine at codon 416 is replaced by cysteine, an amino acid with highly dissimilar properties. This amino acid position is highly conserved in available vertebrate species. In addition, this alteration is predicted to be deleterious by in silico analysis. Based on the available evidence, the clinical significance of this variant remains unclear.

GeneDx
Classification: Uncertain significance. Last evaluated: 2024-05-01. Review status: criteria provided, single submitter. Criteria: GeneDx Variant Classification Process June 2021. Collection method: clinical testing. Allele origin: germline. Affected: yes.
Comment: Has not been previously published as pathogenic or benign to our knowledge; In silico analysis supports that this missense variant has a deleterious effect on protein structure/function